The following is an entry in ClinVar:

ClinVar aggregate classification (germline): Uncertain significance. Review status: criteria provided, multiple submitters, no conflicts (2 of 4 stars). 2 submissions from 2 submitters: Uncertain significance (2). Last evaluated 2025-01-23.

Conditions:
Inborn genetic diseases. Identifiers: MedGen C0950123, MeSH D030342.

Allele frequency attached by ClinVar (database versions not stated): gnomAD exomes below 0.00001.

Submissions (2):

Ambry Genetics
Classification: Uncertain significance for Inborn genetic diseases. Last evaluated: 2025-01-23. Review status: criteria provided, single submitter. Criteria: Ambry Variant Classification Scheme 2023. Collection method: clinical testing. Allele origin: germline.

Labcorp Genetics (formerly Invitae), Labcorp
Classification: Uncertain significance. Last evaluated: 2023-10-26. Review status: criteria provided, single submitter. Criteria: Invitae Variant Classification Sherloc (09022015). Collection method: clinical testing. Allele origin: germline.
Comment: This sequence change replaces phenylalanine, which is neutral and non-polar, with cysteine, which is neutral and slightly polar, at codon 308 of the PRPF31 protein (p.Phe308Cys). This variant is present in population databases (rs587728623, gnomAD 0.006%). This variant has not been reported in the literature in individuals affected with PRPF31-related conditions. An algorithm developed to predict the effect of missense changes on protein structure and function (PolyPhen-2) suggests that this variant is likely to be tolerated. In summary, the available evidence is currently insufficient to determine the role of this variant in disease. Therefore, it has been classified as a Variant of Uncertain Significance.

NM_015629.4(PRPF31):c.923T>G (p.Phe308Cys)

Gene: PRPF31 (pre-mRNA processing factor 31; plus strand). Cytogenetic location: 19q13.42.
Variant type: single nucleotide variant.
Coding change: c.923T>G on transcript NM_015629.4 (MANE Select); coding-DNA position 923, T replaced by G.
Protein change: p.Phe308Cys; replaces phenylalanine 308 with cysteine.
Molecular consequence: missense variant.
Genome position (GRCh38, 1-based): chr19:54,126,595, T>G. VCF-style: chr19-54126595-T-G. GRCh37 (hg19) VCF-style: chr19-54629970-T-G.
Other names: c.923T>G (NM_015629.3); short protein forms F308C.
Identifiers: ClinVar variation 3008286 (VCV003008286.4), dbSNP rs587728623, ClinGen allele CA309327985.